The following is an entry in ClinVar:

ClinVar aggregate classification (germline): Pathogenic (1 of 4 stars; one submission).

Conditions:
Juvenile polyposis syndrome (JPS). Identifiers: Orphanet 2929, MedGen C0345893, MONDO:0017380, OMIM 174900.

gnomAD v4.1: 1 of 1,613,928 alleles (0.000062%); highest among the groups gnomAD compares: Non-Finnish European, 0.000085%; no homozygotes.

Submission:

Myriad Genetics, Inc.
Classification: Pathogenic for Juvenile polyposis syndrome. Last evaluated: 2023-05-26. Review status: criteria provided, single submitter. Criteria: Myriad Autosomal Dominant, Autosomal Recessive and X-Linked Classification Criteria (2023). Collection method: clinical testing. Allele origin: unknown.
Comment: This variant is considered pathogenic. This variant creates a termination codon and is predicted to result in premature protein truncation.

NM_004329.3(BMPR1A):c.943G>T (p.Gly315Ter)

Gene: BMPR1A (bone morphogenetic protein receptor type 1A; plus strand). Cytogenetic location: 10q23.2.
Variant type: single nucleotide variant.
Coding change: c.943G>T on transcript NM_004329.3 (MANE Select); coding-DNA position 943, G replaced by T.
Protein change: p.Gly315Ter; replaces glycine 315 with a stop codon.
Molecular consequence: nonsense. On other transcripts: non-coding transcript variant (3).
Genome position (GRCh38, 1-based): chr10:86,919,246, G>T. VCF-style: chr10-86919246-G-T. GRCh37 (hg19) VCF-style: chr10-88679003-G-T.
Other names: c.1018G>T, p.Gly340Ter (NM_001406559.1); c.991G>T, p.Gly331Ter (NM_001406560.1); c.943G>T, p.Gly315Ter (NM_001406561.1, NM_001406562.1, NM_001406563.1 and 19 more transcripts); c.601G>T, p.Gly201Ter (NM_001406589.1); c.937G>T, p.Gly313Ter (NM_001406583.1); c.859G>T, p.Gly287Ter (NM_001406584.1, NM_001406585.1, NM_001406586.1 and 2 more transcripts); short protein forms G201*, G287*, G313*, G315*, G331*, G340*.
Identifiers: ClinVar variation 2584300 (VCV002584300.2), dbSNP rs730881435, ClinGen allele CA377460174.
Genomic context (GRCh38, chr10:86,919,246, plus strand): 5'-GACATTAAAGGTACAGGTTCCTGGACTCAGCTCTATTTGATTACTGATTACCATGAAAAT[G>T]GATCTCTCTATGACTTCCTGAAATGTGCTACACTGGACACCAGAGCCCTGCTTAAATTGG-3'